The following is an entry in ClinVar:

ClinVar aggregate classification (germline): Benign/Likely benign. Review status: criteria provided, multiple submitters, no conflicts (2 of 4 stars). 4 submissions from 4 submitters: Benign (2); Likely benign (1). 1 of the submissions does not count toward it. Last evaluated 2026-01-19.

Conditions:
OBSL1-related disorder. Also called: OBSL1-related condition.
3M syndrome 2. Also called: 3-M Syndrome, OBSL1-Related; THREE M SYNDROME 2. Identifiers: Orphanet 2616, MedGen C2752041, MONDO:0013039, OMIM 612921.

Allele frequency attached by ClinVar (database versions not stated): gnomAD exomes 0.00022 and 0.00066; ExAC 0.00096; ESP Exome Variant Server 0.00233; gnomAD 0.00303 and 0.00327; TOPMed 0.00341; 1000 Genomes Project 0.00379; 1000 Genomes Project 30x 0.00406.

Submissions (4):

Labcorp Genetics (formerly Invitae), Labcorp
Classification: Benign. Last evaluated: 2026-01-19. Review status: criteria provided, single submitter. Criteria: Invitae Variant Classification Sherloc (09022015). Collection method: clinical testing. Allele origin: germline.

Blueprint Genetics
Classification: Likely benign. Last evaluated: 2024-09-14. Review status: criteria provided, single submitter. Criteria: ACMG Guidelines, 2015. Collection method: clinical testing. Allele origin: germline.

Illumina Laboratory Services, Illumina
Classification: Benign for 3M syndrome 2. Last evaluated: 2018-01-13. Review status: criteria provided, single submitter. Criteria: ICSL Variant Classification Criteria 13 December 2019. Collection method: clinical testing. Allele origin: germline.
Comment: This variant was observed in the ICSL laboratory as part of a predisposition screen in an ostensibly healthy population. It had not been previously curated by ICSL or reported in the Human Gene Mutation Database (HGMD: prior to June 1st, 2018), and was therefore a candidate for classification through an automated scoring system. Utilizing variant allele frequency, disease prevalence and penetrance estimates, and inheritance mode, an automated score was calculated to assess if this variant is too frequent to cause the disease. Based on the score and internal cut-off values, a variant classified as benign is not then subjected to further curation. The score for this variant resulted in a classification of benign for this disease.

PreventionGenetics, part of Exact Sciences
Classification: Benign for OBSL1-related condition. Last evaluated: 2019-02-23. Review status: no assertion criteria provided. Collection method: clinical testing. Allele origin: germline. Not counted in ClinVar's aggregate classification.
Comment: This variant is classified as benign based on ACMG/AMP sequence variant interpretation guidelines (Richards et al. 2015 PMID: 25741868, with internal and published modifications).

NM_015311.3(OBSL1):c.3390T>C (p.Gly1130=)

Gene: OBSL1 (obscurin like cytoskeletal adaptor 1; minus strand). Cytogenetic location: 2q35.
Variant type: single nucleotide variant.
Coding change: c.3390T>C on transcript NM_015311.3 (MANE Select); coding-DNA position 3390, T replaced by C.
Protein change: p.Gly1130=; no amino-acid change (glycine 1130 retained).
Molecular consequence: synonymous variant.
Genome position (GRCh38, 1-based): chr2:219,558,296, A>G on the plus strand (T>C on the coding strand, the complement: OBSL1 is on the minus strand). VCF-style: chr2-219558296-A-G. GRCh37 (hg19) VCF-style: chr2-220423018-A-G.
Other names: c.3390T>C, p.Gly1130= (NM_001173431.2).
Identifiers: ClinVar variation 720296 (VCV000720296.17), dbSNP rs200777549, ClinGen allele CA2130885.